The following is an entry in ClinVar:

ClinVar aggregate classification (germline): Uncertain significance (1 of 4 stars; one submission).

Conditions:
Hypophosphatasia. Also called: Phosphoethanol-aminuria. Identifiers: Orphanet 436, MedGen C0020630, MeSH D007014, MONDO:0018570.

Submission:

Genomenon, Inc
Classification: Uncertain significance for Hypophosphatasia. Last evaluated: 2026-09-01. Review status: criteria provided, single submitter. Criteria: Genomenon Sequence Variant Interpretation Standards - Updated. Collection method: curation. Allele origin: germline. Affected: yes.
Comment: ALPL p.His340Pro (c.1019A>C) is a missense variant that changes the amino acid at codon 340 from Histidine to Proline. This variant has been observed in at least one proband affected with an ALPL-related disorder (PMID:34258332). It is absent or not present at a significant frequency in gnomAD. In silico models predict that this variant is possibly or probably damaging. In conclusion, we classify ALPL p.His340Pro (c.1019A>C) as a variant of uncertain significance.

Literature cited by the submitters: PubMed 34258332.

NM_000478.6(ALPL):c.1019A>C (p.His340Pro)

Gene: ALPL (alkaline phosphatase, biomineralization associated; plus strand). Cytogenetic location: 1p36.12.
Variant type: single nucleotide variant.
Coding change: c.1019A>C on transcript NM_000478.6 (MANE Select); coding-DNA position 1019, A replaced by C.
Protein change: p.His340Pro; replaces histidine 340 with proline.
Molecular consequence: missense variant.
Genome position (GRCh38, 1-based): chr1:21,575,754, A>C. VCF-style: chr1-21575754-A-C. GRCh37 (hg19) VCF-style: chr1-21902247-A-C.
Other names: c.854A>C, p.His285Pro (NM_001127501.4); c.788A>C, p.His263Pro (NM_001177520.3); c.1019A>C, p.His340Pro (NM_001369803.2, NM_001369804.2, NM_001369805.2); short protein forms H263P, H285P, H340P.
Identifiers: ClinVar variation 4086858 (VCV004086858.2).